The following is an entry in ClinVar:

NM_177438.3(DICER1):c.1083G>T (p.Glu361Asp)

Gene: DICER1 (dicer 1, ribonuclease III; minus strand). Cytogenetic location: 14q32.13.
Variant type: single nucleotide variant.
Coding change: c.1083G>T on transcript NM_177438.3 (MANE Select); coding-DNA position 1083, G replaced by T.
Protein change: p.Glu361Asp; replaces glutamic acid 361 with aspartic acid.
Molecular consequence: missense variant. On other transcripts: 5 prime UTR variant (1), non-coding transcript variant (6).
Genome position (GRCh38, 1-based): chr14:95,124,489, C>A on the plus strand (G>T on the coding strand, the complement: DICER1 is on the minus strand). VCF-style: chr14-95124489-C-A. GRCh37 (hg19) VCF-style: chr14-95590826-C-A.
Other names: c.1083G>T, p.Glu361Asp (NM_001195573.1, NM_001271282.3, NM_001291628.2 and 14 more transcripts); c.801G>T, p.Glu267Asp (NM_001395686.1); c.678G>T, p.Glu226Asp (NM_001395687.1, NM_001395688.1, NM_001395689.1 and 3 more transcripts); c.516G>T, p.Glu172Asp (NM_001395691.1); c.-486G>T (NM_001395697.1); short protein forms E172D, E226D, E267D, E361D.
Identifiers: ClinVar variation 3271981 (VCV003271981.1).
Genomic context (GRCh38, chr14:95,124,489, plus strand): 5'-GAGCAGTTTGATTACTTTAGGAGTTACAAATTTCAGGTCAAGTGAGGCAGGTGAGAAGTG[C>A]TCTTCACATAGTGCATGTATTTTCCTTAGGAAAGTGTCTGTAAACAATAAAAATTTCCTG-3'
Protein context (NP_803187.1, residues 351-371): FLRKIHALCE[Glu361Asp]HFSPASLDLK

ClinVar aggregate classification (germline): Uncertain significance (1 of 4 stars; one submission).

Conditions:
Hereditary cancer-predisposing syndrome. Also called: Tumor predisposition; Hereditary Cancer Syndrome; Hereditary neoplastic syndrome; Neoplastic Syndromes, Hereditary. Identifiers: Orphanet 140162, MedGen C0027672, MeSH D009386, MONDO:0015356.

Submission:

Ambry Genetics
Classification: Uncertain significance for Hereditary cancer-predisposing syndrome. Last evaluated: 2024-03-21. Review status: criteria provided, single submitter. Criteria: Ambry Variant Classification Scheme 2023. Collection method: clinical testing. Allele origin: germline.
Comment: The p.E361D variant (also known as c.1083G>T), located in coding exon 7 of the DICER1 gene, results from a G to T substitution at nucleotide position 1083. The glutamic acid at codon 361 is replaced by aspartic acid, an amino acid with highly similar properties. This amino acid position is conserved. In addition, this alteration is predicted to be tolerated by in silico analysis. Based on the available evidence, the clinical significance of this alteration remains unclear.